The following is an entry in ClinVar:

NM_001363711.2(DUOX2):c.3443A>G (p.Asn1148Ser)

Gene: DUOX2 (dual oxidase 2; minus strand). Cytogenetic location: 15q21.1.
Variant type: single nucleotide variant.
Coding change: c.3443A>G on transcript NM_001363711.2 (MANE Select); coding-DNA position 3443, A replaced by G.
Protein change: p.Asn1148Ser; replaces asparagine 1148 with serine.
Molecular consequence: missense variant.
Genome position (GRCh38, 1-based): chr15:45,099,455, T>C on the plus strand (A>G on the coding strand, the complement: DUOX2 is on the minus strand). VCF-style: chr15-45099455-T-C. GRCh37 (hg19) VCF-style: chr15-45391653-T-C.
Other names: c.3443A>G, p.Asn1148Ser (NM_014080.5); short protein forms N1148S.
Identifiers: ClinVar variation 2421678 (VCV002421678.6), dbSNP rs1894004004, ClinGen allele CA392259327.

ClinVar aggregate classification (germline): Uncertain significance (1 of 4 stars; one submission).

gnomAD v4.1: 1 of 1,614,012 alleles (0.000062%); no homozygotes.

Submission:

Labcorp Genetics (formerly Invitae), Labcorp
Classification: Uncertain significance. Last evaluated: 2025-03-10. Review status: criteria provided, single submitter. Criteria: Invitae Variant Classification Sherloc (09022015). Collection method: clinical testing. Allele origin: germline.
Comment: This sequence change replaces asparagine, which is neutral and polar, with serine, which is neutral and polar, at codon 1148 of the DUOX2 protein (p.Asn1148Ser). This variant is not present in population databases (gnomAD no frequency). This variant has not been reported in the literature in individuals affected with DUOX2-related conditions. ClinVar contains an entry for this variant (Variation ID: 2421678). Invitae Evidence Modeling of protein sequence and biophysical properties (such as structural, functional, and spatial information, amino acid conservation, physicochemical variation, residue mobility, and thermodynamic stability) indicates that this missense variant is expected to disrupt DUOX2 protein function with a positive predictive value of 80%. In summary, the available evidence is currently insufficient to determine the role of this variant in disease. Therefore, it has been classified as a Variant of Uncertain Significance.